The following is an entry in ClinVar:

ClinVar aggregate classification (germline): Benign/Likely benign. Review status: criteria provided, multiple submitters, no conflicts (2 of 4 stars). 4 submissions from 4 submitters: Benign (1); Likely benign (3). Last evaluated 2025-01-30.

Conditions:
Hereditary cancer-predisposing syndrome. Also called: Hereditary neoplastic syndrome; Tumor predisposition; Neoplastic Syndromes, Hereditary; Hereditary Cancer Syndrome. Identifiers: Orphanet 140162, MedGen C0027672, MeSH D009386, MONDO:0015356.
Hereditary nonpolyposis colorectal neoplasms. Identifiers: MedGen C0009405, MeSH D003123.
Lynch syndrome 4 (LYNCH4). Also called: Colorectal cancer, hereditary nonpolyposis, type 4; Hereditary non-polyposis colorectal cancer, type 4. Identifiers: Orphanet 144, MedGen C1838333, MONDO:0013699, OMIM 614337. Disease mechanism: loss of function.

Allele frequency attached by ClinVar (database versions not stated): TOPMed 0.00001.

Submissions (4):

Myriad Genetics, Inc.
Classification: Benign for Lynch syndrome 4. Last evaluated: 2025-01-30. Review status: criteria provided, single submitter. Criteria: Myriad Autosomal Dominant, Autosomal Recessive and X-Linked Classification Criteria (2023). Collection method: clinical testing. Allele origin: unknown.
Comment: This variant is considered benign. This variant is a silent/synonymous amino acid change and it is not expected to impact splicing.

Labcorp Genetics (formerly Invitae), Labcorp
Classification: Likely benign for Hereditary nonpolyposis colorectal neoplasms. Last evaluated: 2024-04-10. Review status: criteria provided, single submitter. Criteria: Invitae Variant Classification Sherloc (09022015). Collection method: clinical testing. Allele origin: germline.

Women's Health and Genetics/Laboratory Corporation of America, LabCorp
Classification: Likely benign. Last evaluated: 2022-06-02. Review status: criteria provided, single submitter. Criteria: LabCorp Variant Classification Summary - May 2015. Collection method: clinical testing. Allele origin: germline.
Comment: Variant summary: PMS2 c.1269C>G alters a non-conserved nucleotide resulting in a synonymous change. 4/4 computational tools predict no significant impact on normal splicing. However, these predictions have yet to be confirmed by functional studies. The variant was absent in 251004 control chromosomes (gnomAD). The available data on variant occurrences in the general population are insufficient to allow any conclusion about variant significance. To our knowledge, no occurrence of c.1269C>G in individuals affected with Lynch Syndrome and no experimental evidence demonstrating its impact on protein function have been reported. No clinical diagnostic laboratories have submitted clinical-significance assessments for this variant to ClinVar after 2014. Based on the evidence outlined above, the variant was classified as likely benign.

Ambry Genetics
Classification: Likely benign for Hereditary cancer-predisposing syndrome. Last evaluated: 2020-11-14. Review status: criteria provided, single submitter. Criteria: Ambry Variant Classification Scheme 2023. Collection method: clinical testing. Allele origin: germline.

NM_000535.7(PMS2):c.1269C>G (p.Ala423=)

Gene: PMS2 (PMS1 homolog 2, mismatch repair system component; minus strand). Cytogenetic location: 7p22.1.
Variant type: single nucleotide variant.
Coding change: c.1269C>G on transcript NM_000535.7 (MANE Select); coding-DNA position 1269, C replaced by G.
Protein change: p.Ala423=; no amino-acid change (alanine 423 retained).
Molecular consequence: synonymous variant. On other transcripts: non-coding transcript variant (1), intron variant (1).
Genome position (GRCh38, 1-based): chr7:5,987,496, G>C on the plus strand (C>G on the coding strand, the complement: PMS2 is on the minus strand). VCF-style: chr7-5987496-G-C. GRCh37 (hg19) VCF-style: chr7-6027127-G-C.
Other names: c.864C>G, p.Ala288= (NM_001018040.1, NM_001322003.2, NM_001322004.2 and 17 more transcripts); c.1113C>G, p.Ala371= (NM_001322006.2, NM_001406870.1); c.951C>G, p.Ala317= (NM_001322007.2, NM_001322008.2, NM_001406876.1 and 2 more transcripts); c.708C>G, p.Ala236= (NM_001322010.2, NM_001406906.1, NM_001406907.1); c.336C>G, p.Ala112= (NM_001322011.2, NM_001322012.2); c.696C>G, p.Ala232= (NM_001322013.2, NM_001406909.1); c.1269C>G, p.Ala423= (NM_001322014.2, NM_001406871.1, NM_001406872.1); c.960C>G, p.Ala320= (NM_001322015.2, NM_001406875.1, NM_001406877.1 and 5 more transcripts); and 13 more.
Identifiers: ClinVar variation 1698607 (VCV001698607.9), dbSNP rs921253631, ClinGen allele CA153228613.